The following is an entry in ClinVar:

NM_001276270.2(MBD4):c.1385G>A (p.Arg462Gln)

Gene: MBD4 (methyl-CpG binding domain 4, DNA glycosylase; minus strand). Cytogenetic location: 3q21.3.
Variant type: single nucleotide variant.
Coding change: c.1385G>A on transcript NM_001276270.2 (MANE Select); coding-DNA position 1385, G replaced by A.
Protein change: p.Arg462Gln; replaces arginine 462 with glutamine.
Molecular consequence: missense variant.
Genome position (GRCh38, 1-based): chr3:129,433,858, C>T on the plus strand (G>A on the coding strand, the complement: MBD4 is on the minus strand). VCF-style: chr3-129433858-C-T. GRCh37 (hg19) VCF-style: chr3-129152701-C-T.
Other names: c.1403G>A, p.Arg468Gln (NM_001276271.2, NM_001276272.2, NM_003925.3); c.449G>A, p.Arg150Gln (NM_001276273.2); short protein forms R150Q, R462Q, R468Q.
Identifiers: ClinVar variation 3701826 (VCV003701826.4).

ClinVar aggregate classification (germline): Uncertain significance. Review status: criteria provided, multiple submitters, no conflicts (2 of 4 stars). 2 submissions from 2 submitters: Uncertain significance (2). Last evaluated 2025-11-04.

Conditions:
Inborn genetic diseases. Identifiers: MedGen C0950123, MeSH D030342.

gnomAD v4.1: 4 of 1,613,982 alleles (0.00025%); highest among the groups gnomAD compares: South Asian, 0.0022%; no homozygotes.

Submissions (2):

Labcorp Genetics (formerly Invitae), Labcorp
Classification: Uncertain significance. Last evaluated: 2025-11-04. Review status: criteria provided, single submitter. Criteria: Invitae Variant Classification Sherloc (09022015). Collection method: clinical testing. Allele origin: germline.
Comment: This sequence change replaces arginine, which is basic and polar, with glutamine, which is neutral and polar, at codon 468 of the MBD4 protein (p.Arg468Gln). This variant is present in population databases (rs551945879, gnomAD 0.006%). This variant has not been reported in the literature in individuals affected with MBD4-related conditions. ClinVar contains an entry for this variant (Variation ID: 3701826). An algorithm developed to predict the effect of missense changes on protein structure and function (PolyPhen-2) suggests that this variant is likely to be disruptive. Algorithms developed to predict the effect of sequence changes on RNA splicing suggest that this variant may disrupt the consensus splice site. In summary, the available evidence is currently insufficient to determine the role of this variant in disease. Therefore, it has been classified as a Variant of Uncertain Significance.

Ambry Genetics
Classification: Uncertain significance for Inborn genetic diseases. Last evaluated: 2025-10-29. Review status: criteria provided, single submitter. Criteria: Ambry Variant Classification Scheme 2023. Collection method: clinical testing. Allele origin: germline.